The following is an entry in ClinVar:

ClinVar aggregate classification (germline): Uncertain significance. Review status: criteria provided, multiple submitters, no conflicts (2 of 4 stars). 4 submissions from 4 submitters: Uncertain significance (3). 1 of the submissions does not count toward it. Last evaluated 2026-06-09.

Conditions:
Inborn genetic diseases. Identifiers: MedGen C0950123, MeSH D030342.
Charcot-Marie-Tooth disease. Also called: Charcot-Marie-Tooth Hereditary Neuropathy; Charcot-Marie-Tooth Neuropathy. Identifiers: Orphanet 166, MedGen C0007959, MONDO:0015626.
Charcot-Marie-Tooth disease type 4. Also called: Charcot-Marie-Tooth disease, type IV; Charcot-Marie-Tooth, Type 4. Identifiers: Orphanet 64749, MedGen C4082197, MONDO:0018995.

Allele frequency attached by ClinVar (database versions not stated): ExAC 0.00001; gnomAD exomes 0.00002; TOPMed 0.00003; gnomAD 0.00004 and 0.00006.
gnomAD v4.1: 61 of 1,614,070 alleles (0.0038%); highest among the groups gnomAD compares: Non-Finnish European, 0.0052%; no homozygotes.

Submissions (4):

Women's Health and Genetics/Laboratory Corporation of America, LabCorp
Classification: Uncertain significance. Last evaluated: 2026-06-09. Review status: criteria provided, single submitter. Criteria: LabCorp Variant Classification Summary - May 2015. Collection method: clinical testing. Allele origin: germline.
Comment: Variant summary: SH3TC2 c.2273C>A (p.Ala758Asp) results in a non-conservative amino acid change in the encoded protein sequence. Algorithms developed to predict the effect of missense changes on protein structure and function are either unavailable or do not agree on the potential impact of this missense change. The variant allele was found at a frequency of 2e-05 in 251372 control chromosomes (gnomAD). The available data on variant occurrences in the general population are insufficient to allow any conclusion about variant significance. c.2273C>A has been observed in one individual affected with Charcot-Marie-Tooth disease (Martnez-Rubio_2008, Lupo_2009). These reports do not provide unequivocal conclusions about association of the variant with disease. At least one publication reports experimental evidence evaluating an impact on protein function, however, does not allow convincing conclusions about the variant effect (Lupo_2009). The following publications have been ascertained in the context of this evaluation (PMID: 19744956, 18846676 ). ClinVar contains an entry for this variant (Variation ID: 476895). Based on the evidence outlined above, the variant was classified as uncertain significance.

Ambry Genetics
Classification: Uncertain significance for Inborn genetic diseases. Last evaluated: 2025-06-30. Review status: criteria provided, single submitter. Criteria: Ambry Variant Classification Scheme 2023. Collection method: clinical testing. Allele origin: germline.

Labcorp Genetics (formerly Invitae), Labcorp
Classification: Uncertain significance for Charcot-Marie-Tooth disease type 4. Last evaluated: 2024-10-29. Review status: criteria provided, single submitter. Criteria: Invitae Variant Classification Sherloc (09022015). Collection method: clinical testing. Allele origin: germline.
Comment: This sequence change replaces alanine, which is neutral and non-polar, with aspartic acid, which is acidic and polar, at codon 758 of the SH3TC2 protein (p.Ala758Asp). This variant is present in population databases (rs200006756, gnomAD 0.006%). This missense change has been observed in individual(s) with Charcot-Marie-Tooth type 4C (PMID: 18846676). ClinVar contains an entry for this variant (Variation ID: 476895). Invitae Evidence Modeling of protein sequence and biophysical properties (such as structural, functional, and spatial information, amino acid conservation, physicochemical variation, residue mobility, and thermodynamic stability) indicates that this missense variant is not expected to disrupt SH3TC2 protein function with a negative predictive value of 95%. Experimental studies have shown that this missense change does not substantially affect SH3TC2 function (PMID: 19744956). In summary, the available evidence is currently insufficient to determine the role of this variant in disease. Therefore, it has been classified as a Variant of Uncertain Significance.

Inherited Neuropathy Consortium
Classification: Uncertain significance for Charcot-Marie-Tooth disease. Review status: no assertion criteria provided. Collection method: literature only. Allele origin: germline. Affected: yes. Not counted in ClinVar's aggregate classification.

Literature cited by the submitters: PubMed 19744956 (cited by Women's Health and Genetics/Laboratory Corporation of America, LabCorp and Labcorp Genetics (formerly Invitae), Labcorp); PubMed 18846676 (cited by 3 submitters).

NM_024577.4(SH3TC2):c.2273C>A (p.Ala758Asp)

Gene: SH3TC2 (SH3 domain and tetratricopeptide repeats 2; minus strand). Cytogenetic location: 5q32.
Variant type: single nucleotide variant.
Coding change: c.2273C>A on transcript NM_024577.4 (MANE Select); coding-DNA position 2273, C replaced by A.
Protein change: p.Ala758Asp; replaces alanine 758 with aspartic acid.
Molecular consequence: missense variant.
Genome position (GRCh38, 1-based): chr5:149,027,459, G>T on the plus strand (C>A on the coding strand, the complement: SH3TC2 is on the minus strand). VCF-style: chr5-149027459-G-T. GRCh37 (hg19) VCF-style: chr5-148407022-G-T.
Other names: short protein forms A758D.
Identifiers: ClinVar variation 476895 (VCV000476895.12), dbSNP rs200006756, ClinGen allele CA3499034.